The following is an entry in ClinVar:

ClinVar aggregate classification (germline): Likely benign (1 of 4 stars; one submission).

gnomAD v4.1: 317 of 1,613,772 alleles (0.02%); highest among the groups gnomAD compares: Non-Finnish European, 0.025%; 1 homozygote.

Submission:

Women's Health and Genetics/Laboratory Corporation of America, LabCorp
Classification: Likely benign. Last evaluated: 2024-05-08. Review status: criteria provided, single submitter. Criteria: LabCorp Variant Classification Summary - May 2015. Collection method: clinical testing. Allele origin: germline.
Comment: Variant summary: VWF c.6902-15G>A alters a non-conserved nucleotide located at a position not widely known to affect splicing. Consensus agreement among computation tools predict no significant impact on normal splicing. However, these predictions have yet to be confirmed by functional studies. The variant allele was found at a frequency of 0.00012 in 251396 control chromosomes, predominantly at a frequency of 0.00022 within the Non-Finnish European subpopulation in the gnomAD database, including 1 homozygotes. To our knowledge, no occurrence of c.6902-15G>A in individuals affected with Von Willebrand Disease and no experimental evidence demonstrating its impact on protein function have been reported. No submitters have cited clinical-significance assessments for this variant to ClinVar. Based on the evidence outlined above, the variant was classified as likely benign.

NM_000552.5(VWF):c.6902-15G>A

Gene: VWF (von Willebrand factor; minus strand). Cytogenetic location: 12p13.31.
Variant type: single nucleotide variant.
Coding change: c.6902-15G>A on transcript NM_000552.5 (MANE Select); 15 bases into the intron before coding-DNA position 6902, G replaced by A.
Molecular consequence: intron variant.
Genome position (GRCh38, 1-based): chr12:5,985,134, C>T on the plus strand (G>A on the coding strand, the complement: VWF is on the minus strand). VCF-style: chr12-5985134-C-T. GRCh37 (hg19) VCF-style: chr12-6094300-C-T.
Identifiers: ClinVar variation 3336090 (VCV003336090.1).